The following is an entry in ClinVar:

ClinVar aggregate classification (germline): Pathogenic. Review status: criteria provided, multiple submitters, no conflicts (2 of 4 stars). 3 submissions from 3 submitters: Pathogenic (3). Last evaluated 2023-12-01.

Conditions:
Hereditary cancer-predisposing syndrome. Also called: Tumor predisposition; Neoplastic Syndromes, Hereditary; Hereditary neoplastic syndrome; Hereditary Cancer Syndrome. Identifiers: Orphanet 140162, MedGen C0027672, MeSH D009386, MONDO:0015356.
Familial cancer of breast. Also called: Hereditary breast cancer; hereditary breast carcinoma; BREAST CANCER, FAMILIAL. Identifiers: Orphanet 227535, MedGen C0346153, MONDO:0016419, OMIM 114480. Disease mechanism: loss of function.

Submissions (3):

Ambry Genetics
Classification: Pathogenic for Hereditary cancer-predisposing syndrome. Last evaluated: 2023-12-01. Review status: criteria provided, single submitter. Criteria: Ambry Variant Classification Scheme 2023. Collection method: clinical testing. Allele origin: germline.
Comment: The c.8652dupA pathogenic mutation, located in coding exon 58 of the ATM gene, results from a duplication of A at nucleotide position 8652, causing a translational frameshift with a predicted alternate stop codon (p.L2885Tfs*11). This variant is considered to be rare based on population cohorts in the Genome Aggregation Database (gnomAD). This alteration is expected to result in loss of function by premature protein truncation or nonsense-mediated mRNA decay. As such, this alteration is interpreted as a disease-causing mutation.

Myriad Genetics, Inc.
Classification: Pathogenic for Familial cancer of breast. Last evaluated: 2023-01-10. Review status: criteria provided, single submitter. Criteria: Myriad Autosomal Dominant, Autosomal Recessive and X-Linked Classification Criteria (2023). Collection method: clinical testing. Allele origin: unknown.
Comment: This variant is considered pathogenic. This variant creates a frameshift predicted to result in premature protein truncation.

Color Diagnostics, LLC DBA Color Health
Classification: Pathogenic for Hereditary cancer-predisposing syndrome. Last evaluated: 2020-01-15. Review status: criteria provided, single submitter. Criteria: ACMG Guidelines, 2015. Collection method: clinical testing. Allele origin: germline.
Comment: This variant inserts 1 nucleotide in exon 59 of the ATM gene, creating a frameshift and premature translation stop signal. This variant is expected to result in an absent or non-functional protein product. This variant has not been identified in the general population by the Genome Aggregation Database (gnomAD). Loss of ATM function is a known mechanism of disease. Based on the available evidence, this variant is classified as Pathogenic.

NM_000051.4(ATM):c.8652dup (p.Leu2885fs)

Genes: ATM (ATM serine/threonine kinase; plus strand), C11orf65 (chromosome 11 open reading frame 65; minus strand). Cytogenetic location: 11q22.3.
Variant type: Duplication.
Coding change: c.8652dup on transcript NM_000051.4 (MANE Select); coding-DNA position 8652, one base duplicated (A; older notation c.8652dupA).
Protein change: p.Leu2885fs; shifts the reading frame from leucine 2885.
Molecular consequence: frameshift variant. On other transcripts: intron variant (2).
Genome position (GRCh38, 1-based): chr11:108,347,346, A duplicated; the last of 2 consecutive A bases (chr11:108,347,345-108,347,346); duplicating either gives the same sequence. VCF-style (leftmost placement, unchanged base first): chr11-108347344-G-GA. GRCh37 (hg19) VCF-style: chr11-108218071-G-GA.
Other names: c.8652dupA (NM_000051.3); c.8652dup, p.Leu2885fs (NM_001351834.2); c.641-38274dup (NM_001330368.2); c.695-12053dup (NM_001351110.2); short protein forms L2885fs.
Identifiers: ClinVar variation 922816 (VCV000922816.7), dbSNP rs2088559453, ClinGen allele CA913188428.